The following is an entry in ClinVar:

ClinVar aggregate classification (germline): Benign. Review status: criteria provided, multiple submitters, no conflicts (2 of 4 stars). 3 submissions from 3 submitters: Benign (2). 1 of the submissions does not count toward it. Last evaluated 2019-12-31.

Conditions:
PPP1R9A-related disorder. Also called: PPP1R9A-related condition.

Allele frequency attached by ClinVar (database versions not stated): ESP Exome Variant Server 0.00031; gnomAD 0.00081 and 0.00101; TOPMed 0.00171; 1000 Genomes Project 0.00260; 1000 Genomes Project 30x 0.00312.

Submissions (3):

Labcorp Genetics (formerly Invitae), Labcorp
Classification: Benign. Last evaluated: 2019-12-31. Review status: criteria provided, single submitter. Criteria: Invitae Variant Classification Sherloc (09022015). Collection method: clinical testing. Allele origin: germline.

Breakthrough Genomics
Classification: Benign. Review status: criteria provided, single submitter. Criteria: ACMG Guidelines, 2015. Collection method: not provided. Allele origin: germline. Inheritance: Unknown mechanism. Affected: yes.

PreventionGenetics, part of Exact Sciences
Classification: Benign for PPP1R9A-related condition. Last evaluated: 2019-06-12. Review status: no assertion criteria provided. Collection method: clinical testing. Allele origin: germline. Not counted in ClinVar's aggregate classification.
Comment: This variant is classified as benign based on ACMG/AMP sequence variant interpretation guidelines (Richards et al. 2015 PMID: 25741868, with internal and published modifications).

NM_001166160.2(PPP1R9A):c.2749C>T (p.Arg917Cys)

Gene: PPP1R9A (protein phosphatase 1 regulatory subunit 9A; plus strand). Cytogenetic location: 7q21.3.
Variant type: single nucleotide variant.
Coding change: c.2749C>T on transcript NM_001166160.2 (MANE Select); coding-DNA position 2749, C replaced by T.
Protein change: p.Arg917Cys; replaces arginine 917 with cysteine.
Molecular consequence: missense variant.
Genome position (GRCh38, 1-based): chr7:95,268,633, C>T. VCF-style: chr7-95268633-C-T. GRCh37 (hg19) VCF-style: chr7-94897945-C-T.
Other names: c.2683C>T, p.Arg895Cys (NM_001166161.1, NM_001166162.1, NM_001166163.1 and 1 more transcripts); short protein forms R895C, R917C.
Identifiers: ClinVar variation 770188 (VCV000770188.7), dbSNP rs150722853, ClinGen allele CA4349734.
Genomic context (GRCh38, chr7:95,268,633, plus strand): 5'-ACAGAGCGCCTGGATTCAAAAGCACTGAAAACTCGAGCCCAGCTCTCTGTGAAGAACAGA[C>T]GCCAGAGACCCTCTAGGACAAGACTGTATGATAGTGTTAGTTCCACAGATGGGGAGGACA-3'
Protein context (NP_001159632.1, residues 907-927): TRAQLSVKNR[Arg917Cys]QRPSRTRLYD